The following is an entry in ClinVar:

ClinVar aggregate classification (germline): Likely benign. Review status: criteria provided, multiple submitters, no conflicts (2 of 4 stars). 3 submissions from 3 submitters: Likely benign (2). 1 of the submissions does not count toward it. Last evaluated 2025-12-03.

Conditions:
Autosomal recessive osteopetrosis 1. Also called: ALBERS-SCHONBERG DISEASE, AUTOSOMAL RECESSIVE; TCIRG1-Related Autosomal Recessive Osteopetrosis; TCIRG1-Related Osteopetrosis. Identifiers: Orphanet 667, MedGen C1850127, MONDO:0009815, OMIM 259700.
TCIRG1-related disorder. Also called: TCIRG1-related condition.

Allele frequency attached by ClinVar (database versions not stated): ExAC 0.00005; gnomAD 0.00005; gnomAD exomes 0.00005 and 0.00008; TOPMed 0.00008.
gnomAD v4.1: 85 of 1,612,982 alleles (0.0053%); highest among the groups gnomAD compares: Admixed American, 0.022%; no homozygotes.

Submissions (3):

PreventionGenetics, part of Exact Sciences
Classification: Likely benign for TCIRG1-related condition. Last evaluated: 2025-12-03. Review status: criteria provided, single submitter. Criteria: ACMG Guidelines, 2015. Collection method: clinical testing. Allele origin: germline.
Comment: This variant is classified as likely benign based on ACMG/AMP sequence variant interpretation guidelines (Richards et al. 2015 PMID: 25741868, with internal and published modifications).

Labcorp Genetics (formerly Invitae), Labcorp
Classification: Likely benign. Last evaluated: 2025-08-20. Review status: criteria provided, single submitter. Criteria: Invitae Variant Classification Sherloc (09022015). Collection method: clinical testing. Allele origin: germline.

Natera, Inc.
Classification: Uncertain significance for Infantile malignant osteopetrosis. Last evaluated: 2020-03-10. Review status: no assertion criteria provided. Collection method: clinical testing. Allele origin: germline. Not counted in ClinVar's aggregate classification.

NM_006019.4(TCIRG1):c.1437C>T (p.Ala479=)

Gene: TCIRG1 (T cell immune regulator 1, ATPase H+ transporting V0 subunit a3; plus strand). Cytogenetic location: 11q13.2.
Variant type: single nucleotide variant.
Coding change: c.1437C>T on transcript NM_006019.4 (MANE Select); coding-DNA position 1437, C replaced by T.
Protein change: p.Ala479=; no amino-acid change (alanine 479 retained).
Molecular consequence: synonymous variant.
Genome position (GRCh38, 1-based): chr11:68,047,778, C>T. VCF-style: chr11-68047778-C-T. GRCh37 (hg19) VCF-style: chr11-67815245-C-T.
Other names: c.543C>T, p.Ala181= (NM_001351059.2); c.789C>T, p.Ala263= (NM_006053.4).
Identifiers: ClinVar variation 792726 (VCV000792726.12), dbSNP rs201800548, ClinGen allele CA6147108.